The following is an entry in ClinVar:

ClinVar aggregate classification (germline): Likely benign (1 of 4 stars; one submission).

Allele frequency attached by ClinVar (database versions not stated): 1000 Genomes Project 30x 0.00047; 1000 Genomes Project 0.00060; TOPMed 0.00196; gnomAD 0.00242; ESP Exome Variant Server 0.00261; ExAC 0.00277; gnomAD exomes 0.00342.
gnomAD v4.1: 5,316 of 1,614,140 alleles (0.33%); highest among the groups gnomAD compares: Non-Finnish European, 0.4%; 8 homozygotes.

Submission:

CeGaT Center for Human Genetics Tuebingen
Classification: Likely benign. Last evaluated: 2023-12-01. Review status: criteria provided, single submitter. Criteria: CeGaT Center For Human Genetics Tuebingen Variant Classification Criteria Version 2. Collection method: clinical testing. Allele origin: germline. Affected: yes. Observed: 1 variant allele.
Comment: NTN5: BP4

NM_145807.4(NTN5):c.1084A>G (p.Arg362Gly)

Gene: NTN5 (netrin 5; minus strand). Cytogenetic location: 19q13.33.
Variant type: single nucleotide variant.
Coding change: c.1084A>G on transcript NM_145807.4 (MANE Select); coding-DNA position 1084, A replaced by G.
Protein change: p.Arg362Gly; replaces arginine 362 with glycine.
Molecular consequence: missense variant.
Genome position (GRCh38, 1-based): chr19:48,663,484, T>C on the plus strand (A>G on the coding strand, the complement: NTN5 is on the minus strand). VCF-style: chr19-48663484-T-C. GRCh37 (hg19) VCF-style: chr19-49166741-T-C.
Other names: short protein forms R362G.
Identifiers: ClinVar variation 3024930 (VCV003024930.22), dbSNP rs150324611, ClinGen allele CA9555610.